The following is an entry in ClinVar:

NM_000245.4(MET):c.2697C>T (p.Asp899=)

Gene: MET (MET proto-oncogene, receptor tyrosine kinase; plus strand). Cytogenetic location: 7q31.2.
Variant type: single nucleotide variant.
Coding change: c.2697C>T on transcript NM_000245.4 (MANE Select); coding-DNA position 2697, C replaced by T.
Protein change: p.Asp899=; no amino-acid change (aspartic acid 899 retained).
Molecular consequence: synonymous variant.
Genome position (GRCh38, 1-based): chr7:116,769,758, C>T. VCF-style: chr7-116769758-C-T. GRCh37 (hg19) VCF-style: chr7-116409812-C-T.
Other names: c.2751C>T, p.Asp917= (NM_001127500.3); c.2697C>T, p.Asp899= (NM_001324401.3); c.1407C>T, p.Asp469= (NM_001324402.2).
Identifiers: ClinVar variation 705954 (VCV000705954.11), dbSNP rs1584953336, ClinGen allele CA457441764.

ClinVar aggregate classification (germline): Benign/Likely benign. Review status: criteria provided, multiple submitters, no conflicts (2 of 4 stars). 3 submissions from 3 submitters: Benign (1); Likely benign (2). Last evaluated 2024-11-12.

Conditions:
Renal cell carcinoma. Identifiers: Orphanet 217071, MedGen C0007134, MeSH D002292, MONDO:0005086, HP:0005584.
Papillary renal cell carcinoma type 1 (RCCP1). Also called: Renal adenocarcinoma; Renal cell carcinoma 1; Renal cell carcinoma, somatic; RENAL CELL CARCINOMA, PAPILLARY, 1, SOMATIC. Identifiers: Orphanet 47044, MedGen C1336839, OMIM 605074, HP:0011797.
Hereditary cancer-predisposing syndrome. Also called: Neoplastic Syndromes, Hereditary; Hereditary Cancer Syndrome; Tumor predisposition; Hereditary neoplastic syndrome. Identifiers: Orphanet 140162, MedGen C0027672, MeSH D009386, MONDO:0015356.

gnomAD v4.1: 26 of 1,613,676 alleles (0.0016%); highest among the groups gnomAD compares: Non-Finnish European, 0.0022%; no homozygotes.

Submissions (3):

Myriad Genetics, Inc.
Classification: Benign for Papillary renal cell carcinoma type 1. Last evaluated: 2024-11-12. Review status: criteria provided, single submitter. Criteria: Myriad Autosomal Dominant, Autosomal Recessive and X-Linked Classification Criteria (2023). Collection method: clinical testing. Allele origin: unknown.
Comment: This variant is considered benign. This variant is a silent/synonymous amino acid change and it is not expected to impact splicing.

Labcorp Genetics (formerly Invitae), Labcorp
Classification: Likely benign for Renal cell carcinoma. Last evaluated: 2024-09-25. Review status: criteria provided, single submitter. Criteria: Invitae Variant Classification Sherloc (09022015). Collection method: clinical testing. Allele origin: germline.

Ambry Genetics
Classification: Likely benign for Hereditary cancer-predisposing syndrome. Last evaluated: 2020-08-19. Review status: criteria provided, single submitter. Criteria: Ambry Variant Classification Scheme 2023. Collection method: clinical testing. Allele origin: germline.